The following is an entry in ClinVar:

ClinVar aggregate classification (germline): Uncertain significance (1 of 4 stars; one submission).

Conditions:
Epidermolysis bullosa, junctional 6, with pyloric atresia. Also called: ITGA6-Related Epidermolysis Bullosa with Pyloric Atresia. Identifiers: MedGen C5676957, MONDO:0859233, OMIM 619817.

gnomAD v4.1: 1 of 1,606,804 alleles (0.000062%); highest among the groups gnomAD compares: East Asian, 0.0023%; no homozygotes.

Submission:

Juno Genomics, Hangzhou Juno Genomics, Inc
Classification: Uncertain significance for Epidermolysis bullosa, junctional 6, with pyloric atresia. Review status: criteria provided, single submitter. Criteria: ACMG Guidelines, 2015. Collection method: clinical testing. Allele origin: germline.
Comment: Absent from controls (or at extremely low frequency if recessive) in Genome Aggregation Database.;Multiple lines of computational evidence support a deleterious effect on the gene or gene product.

NM_000210.4(ITGA6):c.146C>T (p.Ala49Val)

Gene: ITGA6 (integrin subunit alpha 6; plus strand). Cytogenetic location: 2q31.1.
Variant type: single nucleotide variant.
Coding change: c.146C>T on transcript NM_000210.4 (MANE Select); coding-DNA position 146, C replaced by T.
Protein change: p.Ala49Val; replaces alanine 49 with valine.
Molecular consequence: missense variant. On other transcripts: intron variant (1).
Genome position (GRCh38, 1-based): chr2:172,427,934, C>T. VCF-style: chr2-172427934-C-T. GRCh37 (hg19) VCF-style: chr2-173292662-C-T.
Other names: c.146C>T, p.Ala49Val (NM_001079818.3, NM_001365529.2, NM_001365530.2 and 1 more transcripts); c.-161+464C>T (NM_001316306.2); short protein forms A49V.
Identifiers: ClinVar variation 5006129 (VCV005006129.2).